The following is an entry in ClinVar:

ClinVar aggregate classification (germline): Uncertain significance (1 of 4 stars; one submission).

Submission:

Labcorp Genetics (formerly Invitae), Labcorp
Classification: Uncertain significance. Last evaluated: 2025-10-04. Review status: criteria provided, single submitter. Criteria: Invitae Variant Classification Sherloc (09022015). Collection method: clinical testing. Allele origin: germline.
Comment: This sequence change replaces phenylalanine, which is neutral and non-polar, with leucine, which is neutral and non-polar, at codon 210 of the ROR2 protein (p.Phe210Leu). This variant is not present in population databases (gnomAD no frequency). This variant has not been reported in the literature in individuals affected with ROR2-related conditions. Invitae Evidence Modeling of protein sequence and biophysical properties (such as structural, functional, and spatial information, amino acid conservation, physicochemical variation, residue mobility, and thermodynamic stability) indicates that this missense variant is not expected to disrupt ROR2 protein function with a negative predictive value of 80%. In summary, the available evidence is currently insufficient to determine the role of this variant in disease. Therefore, it has been classified as a Variant of Uncertain Significance.

NM_004560.4(ROR2):c.628T>C (p.Phe210Leu)

Gene: ROR2 (receptor tyrosine kinase like orphan receptor 2; minus strand). Cytogenetic location: 9q22.31.
Variant type: single nucleotide variant.
Coding change: c.628T>C on transcript NM_004560.4 (MANE Select); coding-DNA position 628, T replaced by C.
Protein change: p.Phe210Leu; replaces phenylalanine 210 with leucine.
Molecular consequence: missense variant.
Genome position (GRCh38, 1-based): chr9:91,733,431, A>G on the plus strand (T>C on the coding strand, the complement: ROR2 is on the minus strand). VCF-style: chr9-91733431-A-G. GRCh37 (hg19) VCF-style: chr9-94495713-A-G.
Other names: c.628T>C, p.Phe210Leu (NM_001318204.2); short protein forms F210L.
Identifiers: ClinVar variation 4760840 (VCV004760840.1).